The following is an entry in ClinVar:

NM_000069.3(CACNA1S):c.1312G>A (p.Val438Met)

Gene: CACNA1S (calcium voltage-gated channel subunit alpha1 S; minus strand). Cytogenetic location: 1q32.1.
Variant type: single nucleotide variant.
Coding change: c.1312G>A on transcript NM_000069.3 (MANE Select); coding-DNA position 1312, G replaced by A.
Protein change: p.Val438Met; replaces valine 438 with methionine.
Molecular consequence: missense variant.
Genome position (GRCh38, 1-based): chr1:201,083,243, C>T on the plus strand (G>A on the coding strand, the complement: CACNA1S is on the minus strand). VCF-style: chr1-201083243-C-T. GRCh37 (hg19) VCF-style: chr1-201052371-C-T.
Other names: short protein forms V438M.
Identifiers: ClinVar variation 5019490 (VCV005019490.2).

ClinVar aggregate classification (germline): Uncertain significance (1 of 4 stars; one submission).

Conditions:
Thyrotoxic periodic paralysis, susceptibility to, 1 (TTPP1). Identifiers: Orphanet 79102, MedGen C2749982, MONDO:0008570, OMIM 188580.
Hypokalemic periodic paralysis, type 1. Also called: Hypokalemic Periodic Paralysis Type 1 (AD); HypoPP. Identifiers: Orphanet 681, MedGen C3714580, MONDO:0042979, OMIM 170400.
Congenital myopathy 18. Also called: Myopathy, congenital, due to dihydropyridine receptor defect; DIHYDROPYRIDINE RECEPTOR CONGENITAL MYOPATHY; DHPR CONGENITAL MYOPATHY. Identifiers: MedGen C5830283, MONDO:0859514, OMIM 620246.
Malignant hyperthermia, susceptibility to, 5 (MHS5). Also called: CACNA1S-Related Malignant Hyperthermia Susceptibility. Identifiers: Orphanet 423, MedGen C1866077, MONDO:0011163, OMIM 601887.

gnomAD v4.1: 2 of 1,614,212 alleles (0.00012%); highest among the groups gnomAD compares: South Asian, 0.0022%; no homozygotes.

Submission:

Juno Genomics, Hangzhou Juno Genomics, Inc
Classification: Uncertain significance for Congenital myopathy 18; Malignant hyperthermia, susceptibility to, 5; Thyrotoxic periodic paralysis, susceptibility to, 1; Hypokalemic periodic paralysis, type 1. Review status: criteria provided, single submitter. Criteria: ACMG Guidelines, 2015. Collection method: clinical testing. Allele origin: germline.
Comment: Absent from controls (or at extremely low frequency if recessive) in Genome Aggregation Database.;Multiple lines of computational evidence support a deleterious effect on the gene or gene product.